The following is an entry in ClinVar:

NM_001367624.2(ZNF469):c.9315_9334del (p.Arg3106fs)

Gene: ZNF469 (zinc finger protein 469; plus strand). Cytogenetic location: 16q24.2.
Variant type: Deletion.
Coding change: c.9315_9334del on transcript NM_001367624.2 (MANE Select); coding-DNA positions 9315 to 9334, 20 bases deleted (CCGGCCGGCCAAGGGCAGGC).
Protein change: p.Arg3106fs; shifts the reading frame from arginine 3106.
Molecular consequence: frameshift variant.
Genome position (GRCh38, 1-based): chr16:88,436,785-88,436,804, CCGGCCGGCCAAGGGCAGGC deleted. VCF-style (leftmost placement, unchanged base first): chr16-88436784-GCCGGCCGGCCAAGGGCAGGC-G. GRCh37 (hg19) VCF-style: chr16-88503192-GCCGGCCGGCCAAGGGCAGGC-G.
Other names: short protein forms R3106fs.
Identifiers: ClinVar variation 4856042 (VCV004856042.1).

ClinVar aggregate classification (germline): Likely pathogenic (1 of 4 stars; one submission).

Conditions:
Brittle cornea syndrome 1 (BCS1). Also called: CORNEAL FRAGILITY, KERATOGLOBUS, BLUE SCLERAE, JOINT HYPEREXTENSIBILITY; EDS6B; FRAGILITAS OCULI WITH JOINT HYPEREXTENSIBILITY; DYSGENESIS MESODERMALIS CORNEAE ET SCLERAE; Corneal fragility keratoglobus, blue sclerae AND joint hypermobility. Identifiers: Orphanet 90354, MedGen C0268344, MONDO:0024543, OMIM 229200.

Submission:

3billion
Classification: Likely pathogenic for Brittle cornea syndrome 1. Last evaluated: 2025-12-03. Review status: criteria provided, single submitter. Criteria: ACMG Guidelines, 2015. Collection method: clinical testing. Allele origin: germline. Affected: yes.
Comment: The variant is not observed in the gnomAD v4.1.0 dataset. Predicted Consequence/Location: Frameshift: predicted to result in a loss or disruption of normal protein function through protein truncation. The predicted truncated protein may be shortened by more than 10%. Therefore, this variant is classified as Likely pathogenic according to the recommendation of ACMG/AMP guideline.